The following is an entry in ClinVar:

NM_018668.5(VPS33B):c.1106-2A>C

Gene: VPS33B (VPS33B late endosome and lysosome associated; minus strand). Cytogenetic location: 15q26.1.
Variant type: single nucleotide variant.
Coding change: c.1106-2A>C on transcript NM_018668.5 (MANE Select); the canonical splice acceptor site of the intron before coding-DNA position 1106, A replaced by C.
Molecular consequence: splice acceptor variant.
Genome position (GRCh38, 1-based): chr15:91,005,121, T>G on the plus strand (A>C on the coding strand, the complement: VPS33B is on the minus strand). VCF-style: chr15-91005121-T-G. GRCh37 (hg19) VCF-style: chr15-91548351-T-G.
Other names: c.1025-2A>C (NM_001289148.1); c.833-2A>C (NM_001289149.1).
Identifiers: ClinVar variation 2228376 (VCV002228376.2), dbSNP rs2544219791, ClinGen allele CA393850159.
Genomic context (GRCh38, chr15:91,005,121, plus strand): 5'-GTCTATGTGTTCCTCAATGTAGCTGGTGCTCTCCCGGATGTTGAACCCCTCTAGCAGTGC[T>G]GTGAGTAATCAGAGGAGAGCCTGTTACTGGGGGCCAGCTCAGCTGCTGCCATCTATGCTA-3'

ClinVar aggregate classification (germline): Likely pathogenic (1 of 4 stars; one submission).

Conditions:
Inborn genetic diseases. Identifiers: MedGen C0950123, MeSH D030342.

Submission:

Ambry Genetics
Classification: Likely pathogenic for Inborn genetic diseases. Last evaluated: 2020-11-25. Review status: criteria provided, single submitter. Criteria: Ambry Variant Classification Scheme 2023. Collection method: clinical testing. Allele origin: germline.
Comment: The c.1106-2A>C intronic variant results from an A to C substitution two nucleotides before coding exon 15 of the VPS33B gene. Alterations that disrupt the canonical splice site are expected to result in aberrant splicing. The resulting transcript is predicted to be in-frame and is not expected to trigger nonsense-mediated mRNA decay; however, direct evidence is unavailable. The exact functional effect of the missing amino acids is unknown. Based on data from the Genome Aggregation Database (gnomAD), the VPS33B c.1106-2A>C alteration was not observed, with coverage at this position. The c.1106-2A nucleotide is conserved in available vertebrate species. In silico splice site analysis predicts that this alteration will weaken the native splice acceptor site and may result in the creation or strengthening of a novel splice acceptor site. Based on the available evidence, this alteration is classified as likely pathogenic.